The following is an entry in ClinVar:

ClinVar aggregate classification (germline): Uncertain significance (1 of 4 stars; one submission).

Conditions:
Inborn genetic diseases. Identifiers: MedGen C0950123, MeSH D030342.

gnomAD v4.1: 4 of 1,613,704 alleles (0.00025%); highest among the groups gnomAD compares: Non-Finnish European, 0.00034%; no homozygotes.

Submission:

Ambry Genetics
Classification: Uncertain significance for Inborn genetic diseases. Last evaluated: 2016-09-20. Review status: criteria provided, single submitter. Criteria: Ambry Variant Classification Scheme 2023. Collection method: clinical testing. Allele origin: germline.
Comment: The p.D147Y variant (also known as c.439G>T), located in coding exon 1 of the HNRNPU gene, results from a G to T substitution at nucleotide position 439. The aspartic acid at codon 147 is replaced by tyrosine, an amino acid with highly dissimilar properties. This variant was not reported in population based cohorts in the following databases: Database of Single Nucleotide Polymorphisms (dbSNP), NHLBI Exome Sequencing Project (ESP), and 1000 Genomes Project. In the ESP, this variant was not observed in 6497 samples (12994 alleles) with coverage at this position. This amino acid position is well conserved in available vertebrate species. In addition, this alteration is predicted to be tolerated by in silico analysis. Since supporting evidence is limited at this time, the clinical significance of this alteration remains unclear.

NM_031844.3(HNRNPU):c.439G>T (p.Asp147Tyr)

Gene: HNRNPU (heterogeneous nuclear ribonucleoprotein U; minus strand). Cytogenetic location: 1q44.
Variant type: single nucleotide variant.
Coding change: c.439G>T on transcript NM_031844.3 (MANE Select); coding-DNA position 439, G replaced by T.
Protein change: p.Asp147Tyr; replaces aspartic acid 147 with tyrosine.
Molecular consequence: missense variant.
Genome position (GRCh38, 1-based): chr1:244,863,869, C>A on the plus strand (G>T on the coding strand, the complement: HNRNPU is on the minus strand). VCF-style: chr1-244863869-C-A. GRCh37 (hg19) VCF-style: chr1-245027171-C-A.
Other names: c.439G>T, p.Asp147Tyr (NM_004501.3); short protein forms D147Y.
Identifiers: ClinVar variation 589399 (VCV000589399.5), dbSNP rs781659437, ClinGen allele CA345497103.